The following is an entry in ClinVar:

NM_001379500.1(COL18A1):c.107-12345A>G

Gene: COL18A1 (collagen type XVIII alpha 1 chain; plus strand). Cytogenetic location: 21q22.3.
Variant type: single nucleotide variant.
Coding change: c.107-12345A>G on transcript NM_001379500.1 (MANE Select); 12345 bases into the intron before coding-DNA position 107, A replaced by G.
Molecular consequence: intron variant. On other transcripts: missense variant (2).
Genome position (GRCh38, 1-based): chr21:45,455,897, A>G. VCF-style: chr21-45455897-A-G. GRCh37 (hg19) VCF-style: chr21-46875811-A-G.
Other names: c.367A>G, p.Ser123Gly (NM_030582.4, NM_130444.3); short protein forms S123G.
Identifiers: ClinVar variation 1505412 (VCV001505412.3), dbSNP rs1455342006, ClinGen allele CA410505797.

ClinVar aggregate classification (germline): Uncertain significance (1 of 4 stars; one submission).

Allele frequency attached by ClinVar (database versions not stated): gnomAD exomes below 0.00001 and 0.00001; TOPMed below 0.00001.
gnomAD v4.1: 3 of 1,613,016 alleles (0.00019%); highest among the groups gnomAD compares: Admixed American, 0.0033%; no homozygotes.

Submission:

Labcorp Genetics (formerly Invitae), Labcorp
Classification: Uncertain significance. Last evaluated: 2021-12-12. Review status: criteria provided, single submitter. Criteria: Invitae Variant Classification Sherloc (09022015). Collection method: clinical testing. Allele origin: germline.
Comment: The COL18A1 gene has multiple clinically relevant transcripts. This variant occurs in alternate transcript NM_030582.3, and corresponds to NM_130445.3:c.107-12345A>G in the primary transcript. This sequence change replaces serine, which is neutral and polar, with glycine, which is neutral and non-polar, at codon 123 of the COL18A1 protein (p.Ser123Gly). This variant is present in population databases (no rsID available, gnomAD 0.003%). This variant has not been reported in the literature in individuals affected with COL18A1-related conditions. Experimental studies and prediction algorithms are not available or were not evaluated, and the functional significance of this variant is currently unknown. In summary, the available evidence is currently insufficient to determine the role of this variant in disease. Therefore, it has been classified as a Variant of Uncertain Significance.